The following is an entry in ClinVar:

NM_005045.4(RELN):c.9611C>T (p.Thr3204Ile)

Genes: RELN (reelin; minus strand), SLC26A5-AS1 (SLC26A5 antisense RNA 1; plus strand), LOC126860130 (BRD4-independent group 4 enhancer GRCh37_chr7:103130126-103131325; plus strand). Cytogenetic location: 7q22.1.
Variant type: single nucleotide variant.
Coding change: c.9611C>T on transcript NM_005045.4 (MANE Select); coding-DNA position 9611, C replaced by T.
Protein change: p.Thr3204Ile; replaces threonine 3204 with isoleucine.
Molecular consequence: missense variant.
Genome position (GRCh38, 1-based): chr7:103,489,894, G>A on the plus strand (C>T on the coding strand, the complement: RELN is on the minus strand). VCF-style: chr7-103489894-G-A. GRCh37 (hg19) VCF-style: chr7-103130341-G-A.
Other names: c.9611C>T, p.Thr3204Ile (NM_173054.3); short protein forms T3204I.
Identifiers: ClinVar variation 1713340 (VCV001713340.6), dbSNP rs1445494056, ClinGen allele CA368744331.

ClinVar aggregate classification (germline): Uncertain significance (1 of 4 stars; one submission).

Conditions:
Familial temporal lobe epilepsy 7. Identifiers: Orphanet 101046, MedGen C4225327, MONDO:0014639, OMIM 616436.
Norman-Roberts syndrome (LIS2). Also called: Lissencephaly 2 (Norman-Roberts type). Identifiers: Orphanet 89844, MedGen C0796089, MONDO:0009760, OMIM 257320.

Allele frequency attached by ClinVar (database versions not stated): gnomAD exomes below 0.00001; TOPMed below 0.00001; gnomAD 0.00001.
gnomAD v4.1: 3 of 1,614,024 alleles (0.00019%); highest among the groups gnomAD compares: Non-Finnish European, 0.00025%; no homozygotes.

Submission:

Labcorp Genetics (formerly Invitae), Labcorp
Classification: Uncertain significance for Familial temporal lobe epilepsy 7; Norman-Roberts syndrome. Last evaluated: 2023-11-29. Review status: criteria provided, single submitter. Criteria: Invitae Variant Classification Sherloc (09022015). Collection method: clinical testing. Allele origin: germline.
Comment: This sequence change replaces threonine, which is neutral and polar, with isoleucine, which is neutral and non-polar, at codon 3204 of the RELN protein (p.Thr3204Ile). This variant is not present in population databases (gnomAD no frequency). This variant has not been reported in the literature in individuals affected with RELN-related conditions. ClinVar contains an entry for this variant (Variation ID: 1713340). Advanced modeling of protein sequence and biophysical properties (such as structural, functional, and spatial information, amino acid conservation, physicochemical variation, residue mobility, and thermodynamic stability) performed at Invitae indicates that this missense variant is not expected to disrupt RELN protein function with a negative predictive value of 80%. In summary, the available evidence is currently insufficient to determine the role of this variant in disease. Therefore, it has been classified as a Variant of Uncertain Significance.